The following is an entry in ClinVar:

NM_001366110.1(PAX4):c.-99-144G>C

Gene: PAX4 (paired box 4; minus strand). Cytogenetic location: 7q32.1.
Variant type: single nucleotide variant.
Coding change: c.-99-144G>C on transcript NM_001366110.1 (MANE Select); 144 bases into the intron before 99 bases upstream of the start codon, G replaced by C.
Molecular consequence: intron variant.
Genome position (GRCh38, 1-based): chr7:127,616,171, C>G on the plus strand (G>C on the coding strand, the complement: PAX4 is on the minus strand). VCF-style: chr7-127616171-C-G. GRCh37 (hg19) VCF-style: chr7-127256225-C-G.
Identifiers: ClinVar variation 4881299 (VCV004881299.2).
Genomic context (GRCh38, chr7:127,616,171, plus strand): 5'-TCCTAAAATTTGCCAGTGGGTTGGCTAAAATCAGAAAATTCTAATTCCTTTTATTTAAAC[C>G]TTTGTGTGATAAAAACTAAAACACTGCAGGTTGGCTGAGGACTGGATCTTTCTTGAAGTC-3'

ClinVar aggregate classification (germline): Uncertain significance (1 of 4 stars; one submission).

Submission:

Dasa
Classification: Uncertain significance. Last evaluated: 2025-12-08. Review status: criteria provided, single submitter. Criteria: DASA Assertion Criteria. Collection method: clinical testing. Allele origin: germline.
Comment: NM_001366110.1(PAX4):c.-99-144G>C is an intronic variant. This variant is rare in population databases. The currently available literature and clinical evidence are not sufficient to establish a definitive association between this variant and the reported condition. Therefore, this variant is classified as a variant of uncertain significance.